The following is an entry in ClinVar:

ClinVar aggregate classification (germline): Likely pathogenic (1 of 4 stars; one submission).

Conditions:
Autosomal recessive Alport syndrome (ATS2). Also called: ALPORT SYNDROME 2, AUTOSOMAL RECESSIVE; COL4A4 Alport Syndrome and Thin Basement Membrane Nephropathy; COL4A3-Related Nephropathy; Alport syndrome type 2. Identifiers: Orphanet 63, Orphanet 88919, MedGen C4746745, MONDO:0008762, OMIM 203780.

Submission:

MVZ Medizinische Genetik Mainz
Classification: Likely pathogenic for Autosomal recessive Alport syndrome. Last evaluated: 2021-08-20. Review status: criteria provided, single submitter. Criteria: UK Practice Guidelines For Variant Classification V4 01 2020. Collection method: clinical testing. Allele origin: germline. Inheritance: Autosomal dominant inheritance. Affected: yes. Observed: 1 variant allele.
Comment: ACMG Criteria: PM4, PS4_SUP, PM2_SUP, PP3, PP4 (ACMG Version 3)

NM_000092.5(COL4A4):c.213_239del (p.Pro72_Gly80del)

Gene: COL4A4 (collagen type IV alpha 4 chain; minus strand). Cytogenetic location: 2q36.3.
Variant type: Deletion.
Coding change: c.213_239del on transcript NM_000092.5 (MANE Select); coding-DNA positions 213 to 239, 27 bases deleted (GCCACAGGGTCCAATTGGACCCCTGGG).
Protein change: p.Pro72_Gly80del.
Molecular consequence: inframe deletion.
Genome position (GRCh38, 1-based): chr2:227,121,102-227,121,128, CCCAGGGGTCCAATTGGACCCTGTGGC deleted on the plus strand (GCCACAGGGTCCAATTGGACCCCTGGG on the coding strand, the reverse complement: COL4A4 is on the minus strand); deleting any 27 consecutive bases within chr2:227,121,102-227,121,130 gives the same sequence; the c. name uses the placement nearest the transcript's 3' end. VCF-style (leftmost placement, unchanged base first): chr2-227121101-TCCCAGGGGTCCAATTGGACCCTGTGGC-T. GRCh37 (hg19) VCF-style: chr2-227985817-TCCCAGGGGTCCAATTGGACCCTGTGGC-T.
Identifiers: ClinVar variation 3068320 (VCV003068320.1), dbSNP rs2476242345, ClinGen allele CA2586971484.